The following is an entry in ClinVar:

NM_015726.4(DCAF8):c.959C>T (p.Ser320Leu)

Gene: DCAF8 (DDB1 and CUL4 associated factor 8; minus strand). Cytogenetic location: 1q23.2.
Variant type: single nucleotide variant.
Coding change: c.959C>T on transcript NM_015726.4 (MANE Select); coding-DNA position 959, C replaced by T.
Protein change: p.Ser320Leu; replaces serine 320 with leucine.
Molecular consequence: missense variant. On other transcripts: non-coding transcript variant (2).
Genome position (GRCh38, 1-based): chr1:160,237,135, G>A on the plus strand (C>T on the coding strand, the complement: DCAF8 is on the minus strand). VCF-style: chr1-160237135-G-A. GRCh37 (hg19) VCF-style: chr1-160206925-G-A.
Other names: short protein forms S320L.
Identifiers: ClinVar variation 2633264 (VCV002633264.1), dbSNP rs1327588458, ClinGen allele CA343222081.

ClinVar aggregate classification (germline): Uncertain significance (1 of 4 stars; one submission).

Conditions:
DCAF8-related disorder. Also called: DCAF8-related condition.

Allele frequency attached by ClinVar (database versions not stated): TOPMed below 0.00001; gnomAD 0.00001; gnomAD exomes 0.00001.

Submission:

PreventionGenetics, part of Exact Sciences
Classification: Uncertain significance for DCAF8-related condition. Last evaluated: 2023-05-16. Review status: criteria provided, single submitter. Criteria: ACMG Guidelines, 2015. Collection method: clinical testing. Allele origin: germline.
Comment: The DCAF8 c.959C>T variant is predicted to result in the amino acid substitution p.Ser320Leu. This variant occurs at the terminal nucleotide of an exon and is predicted to have a minor impact on splicing at the consensus splice site (Alamut Visual Plus v.1.6.1). However, these prediction programs are not equivalent to functional evidence. To our knowledge, this variant has not been reported in the literature. This variant is reported in 0.0038% of alleles in individuals of Latino descent in gnomAD. At this time, the clinical significance of this variant is uncertain due to the absence of conclusive functional and genetic evidence.